The following is an entry in ClinVar:

ClinVar aggregate classification (germline): Uncertain significance (1 of 4 stars; one submission).

Conditions:
Hereditary cancer-predisposing syndrome. Also called: Tumor predisposition; Hereditary neoplastic syndrome; Neoplastic Syndromes, Hereditary; Hereditary Cancer Syndrome. Identifiers: Orphanet 140162, MedGen C0027672, MeSH D009386, MONDO:0015356.

Submission:

Ambry Genetics
Classification: Uncertain significance for Hereditary cancer-predisposing syndrome. Last evaluated: 2025-04-13. Review status: criteria provided, single submitter. Criteria: Ambry Variant Classification Scheme 2023. Collection method: clinical testing. Allele origin: germline.
Comment: The p.E392K variant (also known as c.1174G>A), located in coding exon 12 of the FANCC gene, results from a G to A substitution at nucleotide position 1174. The glutamic acid at codon 392 is replaced by lysine, an amino acid with similar properties. This amino acid position is conserved. In addition, the in silico prediction for this alteration is inconclusive. Based on the available evidence, the clinical significance of this variant remains unclear.

NM_000136.3(FANCC):c.1174G>A (p.Glu392Lys)

Genes: AOPEP (aminopeptidase O (putative); plus strand), FANCC (FA complementation group C; minus strand). Cytogenetic location: 9q22.32.
Variant type: single nucleotide variant.
Coding change: c.1174G>A on transcript NM_000136.3 (MANE Select); coding-DNA position 1174, G replaced by A.
Protein change: p.Glu392Lys; replaces glutamic acid 392 with lysine.
Molecular consequence: missense variant.
Genome position (GRCh38, 1-based): chr9:95,111,618, C>T on the plus strand (G>A on the coding strand, the complement: FANCC is on the minus strand). VCF-style: chr9-95111618-C-T. GRCh37 (hg19) VCF-style: chr9-97873900-C-T.
Other names: c.1174G>A, p.Glu392Lys (NM_001243743.2, NM_001243744.2); short protein forms E392K.
Identifiers: ClinVar variation 4022408 (VCV004022408.1).